The following is an entry in ClinVar:

NM_024312.4(GNPTAB):c.555_556ins296 (p.?)

Gene: GNPTAB (N-acetylglucosamine-1-phosphate transferase subunits alpha and beta; minus strand). Cytogenetic location: 12q23.2.
Variant type: Insertion.
Coding change: c.555_556ins296 on transcript NM_024312.4; coding-DNA positions 555 to 556, an insertion.
Protein change: p.?.
Other names: AY687932:c.555_556ins296.
Identifiers: ClinVar variation 38430 (VCV000038430.3).

ClinVar aggregate classification (germline): Pathogenic (0 of 4 stars; one submission).

Conditions:
Mucolipidosis type II. Also called: Mucolipidosis 2; ML 2; Inclusion cell disease; Leroy Disease; N-acetylglucosamine 1phosphotransferase deficiency; ML disorder type 2. Identifiers: Orphanet 576, MedGen C2673377, MONDO:0009650, OMIM 252500.

Submission:

GeneReviews
Classification: Pathogenic for Mucolipidosis III Alpha/Beta. Last evaluated: 2012-05-10. Review status: no assertion criteria provided. Collection method: curation. Allele origin: unknown.
ClinVar note: Converted during submission from pathologic to Pathogenic.